The following is an entry in ClinVar:

ClinVar aggregate classification (germline): Uncertain significance (1 of 4 stars; one submission).

Conditions:
Fibrous dysplasia of jaw (CRBM). Also called: Cherubism. Identifiers: Orphanet 184, MedGen C0008029, MONDO:0007315, OMIM 118400.

gnomAD v4.1: 8 of 1,614,034 alleles (0.0005%); highest among the groups gnomAD compares: African/African-American, 0.0053%; no homozygotes.

Submission:

Labcorp Genetics (formerly Invitae), Labcorp
Classification: Uncertain significance for Fibrous dysplasia of jaw. Last evaluated: 2024-03-21. Review status: criteria provided, single submitter. Criteria: Invitae Variant Classification Sherloc (09022015). Collection method: clinical testing. Allele origin: germline.
Comment: This sequence change replaces glycine, which is neutral and non-polar, with serine, which is neutral and polar, at codon 154 of the SH3BP2 protein (p.Gly154Ser). This variant is present in population databases (rs376363942, gnomAD 0.01%). This variant has not been reported in the literature in individuals affected with SH3BP2-related conditions. Advanced modeling of protein sequence and biophysical properties (such as structural, functional, and spatial information, amino acid conservation, physicochemical variation, residue mobility, and thermodynamic stability) has been performed at Invitae for this missense variant, however the output from this modeling did not meet the statistical confidence thresholds required to predict the impact of this variant on SH3BP2 protein function. In summary, the available evidence is currently insufficient to determine the role of this variant in disease. Therefore, it has been classified as a Variant of Uncertain Significance.

NM_001122681.2(SH3BP2):c.460G>A (p.Gly154Ser)

Gene: SH3BP2 (SH3 domain binding protein 2; plus strand). Cytogenetic location: 4p16.3.
Variant type: single nucleotide variant.
Coding change: c.460G>A on transcript NM_001122681.2 (MANE Select); coding-DNA position 460, G replaced by A.
Protein change: p.Gly154Ser; replaces glycine 154 with serine.
Molecular consequence: missense variant.
Genome position (GRCh38, 1-based): chr4:2,827,261, G>A. VCF-style: chr4-2827261-G-A. GRCh37 (hg19) VCF-style: chr4-2828988-G-A.
Other names: c.544G>A, p.Gly182Ser (NM_001145855.2); c.631G>A, p.Gly211Ser (NM_001145856.2); c.460G>A, p.Gly154Ser (NM_003023.4); short protein forms G154S, G182S, G211S.
Identifiers: ClinVar variation 3624109 (VCV003624109.2).